The following is an entry in ClinVar:

NM_001009944.3(PKD1):c.8237G>A (p.Arg2746Gln)

Gene: PKD1 (polycystin 1, transient receptor potential channel interacting; minus strand). Cytogenetic location: 16p13.3.
Variant type: single nucleotide variant.
Coding change: c.8237G>A on transcript NM_001009944.3 (MANE Select); coding-DNA position 8237, G replaced by A.
Protein change: p.Arg2746Gln; replaces arginine 2746 with glutamine.
Molecular consequence: missense variant.
Genome position (GRCh38, 1-based): chr16:2,103,820, C>T on the plus strand (G>A on the coding strand, the complement: PKD1 is on the minus strand). VCF-style: chr16-2103820-C-T. GRCh37 (hg19) VCF-style: chr16-2153821-C-T.
Other names: c.8237G>A, p.Arg2746Gln (NM_000296.4); short protein forms R2746Q.
Identifiers: ClinVar variation 433988 (VCV000433988.12), dbSNP rs1800569, ClinGen allele CA7830596.

ClinVar aggregate classification (germline): Conflicting classifications of pathogenicity. Review status: criteria provided, conflicting classifications (1 of 4 stars). 6 submissions from 6 submitters: Uncertain significance (4); Likely benign (2). Last evaluated 2026-06-26.

Conditions:
PKD1-related disorder. Also called: PKD1-related condition.

Allele frequency attached by ClinVar (database versions not stated): gnomAD 0.00013 and 0.00016; TOPMed 0.00018; ESP Exome Variant Server 0.00023; gnomAD exomes 0.00030; 1000 Genomes Project 0.00040; ExAC 0.00041; 1000 Genomes Project 30x 0.00094.
gnomAD v4.1: 294 of 1,608,100 alleles (0.018%); highest among the groups gnomAD compares: South Asian, 0.12%; 2 homozygotes.

Submissions (6):

PreventionGenetics, part of Exact Sciences
Classification: Likely benign for PKD1-related condition. Last evaluated: 2026-06-26. Review status: criteria provided, single submitter. Criteria: ACMG Guidelines, 2015. Collection method: clinical testing. Allele origin: germline.
Comment: This variant is classified as likely benign based on ACMG/AMP sequence variant interpretation guidelines (Richards et al. 2015 PMID: 25741868, with internal and published modifications).

Women's Health and Genetics/Laboratory Corporation of America, LabCorp
Classification: Uncertain significance. Last evaluated: 2026-03-24. Review status: criteria provided, single submitter. Criteria: LabCorp Variant Classification Summary - May 2015. Collection method: clinical testing. Allele origin: germline.
Comment: Variant summary: PKD1 c.8237G>A (p.Arg2746Gln) results in a conservative amino acid change in the encoded protein sequence. Algorithms developed to predict the effect of missense changes on protein structure and function all suggest that this variant is likely to be tolerated. The variant allele was found at a frequency of 0.0003 in 246822 control chromosomes. This frequency is not significantly higher than estimated for disease-causing variants in PKD1, allowing no conclusion about variant significance. c.8237G>A has been observed in an individual affected with autosomal dominant Polycystic Kidney Disease (Pandita_2019). This report does not provide unequivocal conclusions about association of the variant with PKD1-related conditions. To our knowledge, no experimental evidence demonstrating an impact on protein function has been reported. The following publication has been ascertained in the context of this evaluation (PMID: 30816285). ClinVar contains an entry for this variant (Variation ID: 433988). Based on the evidence outlined above, the variant was classified as uncertain significance.

Blueprint Genetics
Classification: Likely benign. Last evaluated: 2024-10-04. Review status: criteria provided, single submitter. Criteria: ACMG Guidelines, 2015. Collection method: clinical testing. Allele origin: germline.

ARUP Laboratories, Molecular Genetics and Genomics, ARUP Laboratories
Classification: Uncertain significance. Last evaluated: 2017-12-29. Review status: criteria provided, single submitter. Criteria: ARUP Molecular Germline Variant Investigation Process. Collection method: clinical testing. Allele origin: germline.

Department of Pathology and Laboratory Medicine, Sinai Health System
Classification: Uncertain significance. Last evaluated: 2016-08-25. Review status: criteria provided, single submitter. Criteria: ACMG Guidelines, 2015. Collection method: clinical testing. Allele origin: germline. Affected: yes. Study: The Canadian Open Genetics Repository (COGR).

Breakthrough Genomics
Classification: Uncertain significance. Review status: criteria provided, single submitter. Criteria: ACMG Guidelines, 2015. Collection method: not provided. Allele origin: germline. Inheritance: Autosomal dominant inheritance. Affected: yes.

Literature cited by the submitters: PubMed 30816285 (cited by Women's Health and Genetics/Laboratory Corporation of America, LabCorp).